The following is an entry in ClinVar:

NM_015559.3(SETBP1):c.2069T>A (p.Leu690Gln)

Gene: SETBP1 (SET binding protein 1; plus strand). Cytogenetic location: 18q12.3.
Variant type: single nucleotide variant.
Coding change: c.2069T>A on transcript NM_015559.3 (MANE Select); coding-DNA position 2069, T replaced by A.
Protein change: p.Leu690Gln; replaces leucine 690 with glutamine.
Molecular consequence: missense variant.
Genome position (GRCh38, 1-based): chr18:44,951,409, T>A. VCF-style: chr18-44951409-T-A. GRCh37 (hg19) VCF-style: chr18-42531374-T-A.
Other names: c.2069T>A, p.Leu690Gln (NM_001379141.1, NM_001379142.1, NM_001410862.1); short protein forms L690Q.
Identifiers: ClinVar variation 4995095 (VCV004995095.2).

ClinVar aggregate classification (germline): Uncertain significance. Review status: criteria provided, multiple submitters, no conflicts (2 of 4 stars). 2 submissions from 2 submitters: Uncertain significance (2). Last evaluated 2026-03-31.

Conditions:
SETBP1-related disorder. Also called: SETBP1-related condition; SETBP1-related disorders.

Submissions (2):

GeneDx
Classification: Uncertain significance. Last evaluated: 2026-03-31. Review status: criteria provided, single submitter. Criteria: GeneDx Variant Classification Process June 2021. Collection method: clinical testing. Allele origin: germline.
Comment: Not observed at significant frequency in large population cohorts (gnomAD); In silico analysis suggests that this missense variant does not alter protein structure/function; Has not been previously published as pathogenic or benign to our knowledge

PreventionGenetics, part of Exact Sciences
Classification: Uncertain significance for SETBP1-related condition. Last evaluated: 2025-11-25. Review status: criteria provided, single submitter. Criteria: ACMG Guidelines, 2015. Collection method: clinical testing. Allele origin: germline.
Comment: The SETBP1 c.2069T>A variant is predicted to result in the amino acid substitution p.Leu690Gln. To our knowledge, this variant has not been reported in the literature or in a large population database (gnomAD), indicating this variant is rare. At this time, the clinical significance of this variant is uncertain due to the absence of conclusive functional and genetic evidence.